The following is an entry in ClinVar:

ClinVar aggregate classification (germline): Likely benign (1 of 4 stars; one submission).

Allele frequency attached by ClinVar (database versions not stated): ESP Exome Variant Server 0.00008; gnomAD 0.00004; gnomAD exomes 0.00001; TOPMed 0.00003.
gnomAD v4.1: 10 of 1,597,500 alleles (0.00063%); highest among the groups gnomAD compares: African/African-American, 0.0094%; no homozygotes.

Submission:

GeneDx
Classification: Likely benign. Last evaluated: 2017-10-12. Review status: criteria provided, single submitter. Criteria: GeneDx Variant Classification (06012015). Collection method: clinical testing. Allele origin: germline. Affected: yes.
Comment: This variant is considered likely benign or benign based on one or more of the following criteria: it is a conservative change, it occurs at a poorly conserved position in the protein, it is predicted to be benign by multiple in silico algorithms, and/or has population frequency not consistent with disease.

NM_024675.4(PALB2):c.-49C>A

Gene: PALB2 (partner and localizer of BRCA2; minus strand). Cytogenetic location: 16p12.2.
Variant type: single nucleotide variant.
Coding change: c.-49C>A on transcript NM_024675.4 (MANE Select); 49 bases upstream of the start codon, C replaced by A.
Molecular consequence: 5 prime UTR variant.
Genome position (GRCh38, 1-based): chr16:23,641,206, G>T on the plus strand (C>A on the coding strand, the complement: PALB2 is on the minus strand). VCF-style: chr16-23641206-G-T. GRCh37 (hg19) VCF-style: chr16-23652527-G-T.
Identifiers: ClinVar variation 512727 (VCV000512727.1), dbSNP rs376865021, ClinGen allele CA279505506.